The following is an entry in ClinVar:

ClinVar aggregate classification (germline): Likely benign (0 of 4 stars; one submission).

Conditions:
DISP1-related disorder. Also called: DISP1-related condition.

Allele frequency attached by ClinVar (database versions not stated): gnomAD 0.00001; ExAC 0.00002; TOPMed 0.00002; gnomAD exomes 0.00003.
gnomAD v4.1: 49 of 1,614,086 alleles (0.003%); highest among the groups gnomAD compares: Non-Finnish European, 0.0041%; no homozygotes.

Submission:

PreventionGenetics, part of Exact Sciences
Classification: Likely benign for DISP1-related condition. Last evaluated: 2021-10-28. Review status: no assertion criteria provided. Collection method: clinical testing. Allele origin: germline.
Comment: This variant is classified as likely benign based on ACMG/AMP sequence variant interpretation guidelines (Richards et al. 2015 PMID: 25741868, with internal and published modifications).

NM_001377229.1(DISP1):c.3090G>T (p.Leu1030=)

Gene: DISP1 (dispatched RND transporter family member 1; plus strand). Cytogenetic location: 1q41.
Variant type: single nucleotide variant.
Coding change: c.3090G>T on transcript NM_001377229.1 (MANE Select); coding-DNA position 3090, G replaced by T.
Protein change: p.Leu1030=; no amino-acid change (leucine 1030 retained).
Molecular consequence: synonymous variant.
Genome position (GRCh38, 1-based): chr1:223,004,487, G>T. VCF-style: chr1-223004487-G-T. GRCh37 (hg19) VCF-style: chr1-223177829-G-T.
Other names: c.2361G>T, p.Leu787= (NM_001350630.2); c.3090G>T, p.Leu1030= (NM_001369594.1, NM_001377228.1, NM_032890.5).
Identifiers: ClinVar variation 3032073 (VCV003032073.2), dbSNP rs752483806, ClinGen allele CA1409343.